The following is an entry in ClinVar:

NM_152365.3(KDF1):c.260G>A (p.Arg87Gln)

Gene: KDF1 (keratinocyte differentiation factor 1; minus strand). Cytogenetic location: 1p36.11.
Variant type: single nucleotide variant.
Coding change: c.260G>A on transcript NM_152365.3 (MANE Select); coding-DNA position 260, G replaced by A.
Protein change: p.Arg87Gln; replaces arginine 87 with glutamine.
Molecular consequence: missense variant.
Genome position (GRCh38, 1-based): chr1:26,952,121, C>T on the plus strand (G>A on the coding strand, the complement: KDF1 is on the minus strand). VCF-style: chr1-26952121-C-T. GRCh37 (hg19) VCF-style: chr1-27278612-C-T.
Other names: c.260G>A (NM_152365.2); short protein forms R87Q.
Identifiers: ClinVar variation 2200973 (VCV002200973.5), dbSNP rs151306106, ClinGen allele CA710357.

ClinVar aggregate classification (germline): Uncertain significance. Review status: criteria provided, multiple submitters, no conflicts (2 of 4 stars). 2 submissions from 2 submitters: Uncertain significance (2). Last evaluated 2025-05-22.

Conditions:
Inborn genetic diseases. Identifiers: MedGen C0950123, MeSH D030342.

Allele frequency attached by ClinVar (database versions not stated): ExAC 0.00004; ESP Exome Variant Server 0.00015; 1000 Genomes Project 0.00020; 1000 Genomes Project 30x 0.00031.

Submissions (2):

Labcorp Genetics (formerly Invitae), Labcorp
Classification: Uncertain significance. Last evaluated: 2025-05-22. Review status: criteria provided, single submitter. Criteria: Invitae Variant Classification Sherloc (09022015). Collection method: clinical testing. Allele origin: germline.
Comment: This sequence change replaces arginine, which is basic and polar, with glutamine, which is neutral and polar, at codon 87 of the KDF1 protein (p.Arg87Gln). This variant is present in population databases (rs151306106, gnomAD 0.02%). This variant has not been reported in the literature in individuals affected with KDF1-related conditions. ClinVar contains an entry for this variant (Variation ID: 2200973). Invitae Evidence Modeling of protein sequence and biophysical properties (such as structural, functional, and spatial information, amino acid conservation, physicochemical variation, residue mobility, and thermodynamic stability) indicates that this missense variant is not expected to disrupt KDF1 protein function with a negative predictive value of 80%. In summary, the available evidence is currently insufficient to determine the role of this variant in disease. Therefore, it has been classified as a Variant of Uncertain Significance.

Ambry Genetics
Classification: Uncertain significance for Inborn genetic diseases. Last evaluated: 2023-09-22. Review status: criteria provided, single submitter. Criteria: Ambry Variant Classification Scheme 2023. Collection method: clinical testing. Allele origin: germline.